The following is an entry in ClinVar:

ClinVar aggregate classification (germline): Likely pathogenic (1 of 4 stars; one submission).

Conditions:
Familial focal epilepsy with variable foci (FPEVF). Identifiers: Orphanet 98820, MedGen C1858477, MONDO:0020310.

Submission:

Labcorp Genetics (formerly Invitae), Labcorp
Classification: Likely pathogenic for Familial focal epilepsy with variable foci. Last evaluated: 2025-05-12. Review status: criteria provided, single submitter. Criteria: Invitae Variant Classification Sherloc (09022015). Collection method: clinical testing. Allele origin: germline.
Comment: This sequence change affects a donor splice site in intron 38 of the DEPDC5 gene. It is expected to disrupt RNA splicing. Variants that disrupt the donor or acceptor splice site typically lead to a loss of protein function (PMID: 16199547), and loss-of-function variants in DEPDC5 are known to be pathogenic (PMID: 23542697, 23542701). This variant is not present in population databases (gnomAD no frequency). This variant has not been reported in the literature in individuals affected with DEPDC5-related conditions. Algorithms developed to predict the effect of sequence changes on RNA splicing suggest that this variant may disrupt the consensus splice site. In summary, the currently available evidence indicates that the variant is pathogenic, but additional data are needed to prove that conclusively. Therefore, this variant has been classified as Likely Pathogenic.

Literature cited by the submitters: PubMed 16199547; PubMed 23542697; PubMed 23542701.

NM_001242896.3(DEPDC5):c.4033+2T>C

Gene: DEPDC5 (DEP domain containing 5, GATOR1 subcomplex subunit; plus strand). Cytogenetic location: 22q12.3.
Variant type: single nucleotide variant.
Coding change: c.4033+2T>C on transcript NM_001242896.3 (MANE Select); the canonical splice donor site of the intron after coding-DNA position 4033, T replaced by C.
Molecular consequence: splice donor variant.
Genome position (GRCh38, 1-based): chr22:31,879,754, T>C. VCF-style: chr22-31879754-T-C. GRCh37 (hg19) VCF-style: chr22-32275740-T-C.
Other names: c.4033+2T>C (NM_001364318.2); c.4006+2T>C (NM_001136029.4); c.3940+2T>C (NM_014662.6, NM_001369903.1); c.3967+2T>C (NM_001363852.2, NM_001364320.2); c.3799+2T>C (NM_001363854.2, NM_001364319.2); c.3733+2T>C (NM_001242897.2); c.3949+2T>C (NM_001369902.1, NM_001369901.1).
Identifiers: ClinVar variation 4713698 (VCV004713698.1).